The following is an entry in ClinVar:

NM_152703.5(SAMD9L):c.4319A>C (p.Glu1440Ala)

Gene: SAMD9L (sterile alpha motif domain containing 9 like; minus strand). Cytogenetic location: 7q21.2.
Variant type: single nucleotide variant.
Coding change: c.4319A>C on transcript NM_152703.5 (MANE Select); coding-DNA position 4319, A replaced by C.
Protein change: p.Glu1440Ala; replaces glutamic acid 1440 with alanine.
Molecular consequence: missense variant.
Genome position (GRCh38, 1-based): chr7:93,131,653, T>G on the plus strand (A>C on the coding strand, the complement: SAMD9L is on the minus strand). VCF-style: chr7-93131653-T-G. GRCh37 (hg19) VCF-style: chr7-92760966-T-G.
Other names: c.4319A>C, p.Glu1440Ala (NM_001303496.3, NM_001303497.3, NM_001303498.3 and 5 more transcripts); short protein forms E1440A.
Identifiers: ClinVar variation 4863928 (VCV004863928.1).

ClinVar aggregate classification (germline): Uncertain significance (1 of 4 stars; one submission).

Conditions:
Inborn genetic diseases. Identifiers: MedGen C0950123, MeSH D030342.

Submission:

Ambry Genetics
Classification: Uncertain significance for Inborn genetic diseases. Last evaluated: 2026-04-04. Review status: criteria provided, single submitter. Criteria: Ambry Variant Classification Scheme 2023. Collection method: clinical testing. Allele origin: germline.
Comment: The p.E1440A variant (also known as c.4319A>C), located in coding exon 1 of the SAMD9L gene, results from an A to C substitution at nucleotide position 4319. The glutamic acid at codon 1440 is replaced by alanine, an amino acid with dissimilar properties. This amino acid position is conserved. In addition, this alteration is predicted to be tolerated by in silico analysis. Based on the available evidence, the clinical significance of this variant remains unclear.